The following is an entry in ClinVar:

ClinVar aggregate classification (germline): Uncertain significance. Review status: criteria provided, multiple submitters, no conflicts (2 of 4 stars). 5 submissions from 5 submitters: Uncertain significance (5). Last evaluated 2025-06-30.

Conditions:
Arrhythmogenic right ventricular dysplasia 5. Also called: Arrhythmogenic Right Ventricular Dysplasia/Cardiomyopathy 5; ARRHYTHMOGENIC RIGHT VENTRICULAR DYSPLASIA, FAMILIAL, 5. Identifiers: MedGen C1858379, MONDO:0011459, OMIM 604400.
Cardiovascular phenotype. Identifiers: MedGen CN230736.
Cardiomyopathy (CMYO). Also called: Cardiomyopathies. Identifiers: Orphanet 167848, MedGen C0878544, MONDO:0004994, HP:0001638. Inheritance: Various modes of inheritance.

Allele frequency attached by ClinVar (database versions not stated): TOPMed 0.00001; ExAC 0.00002; gnomAD exomes 0.00002 and 0.00003.
gnomAD v4.1: 40 of 1,614,044 alleles (0.0025%); highest among the groups gnomAD compares: Admixed American, 0.0083%; no homozygotes.

Submissions (5):

Labcorp Genetics (formerly Invitae), Labcorp
Classification: Uncertain significance for Arrhythmogenic right ventricular dysplasia 5. Last evaluated: 2025-06-30. Review status: criteria provided, single submitter. Criteria: Invitae Variant Classification Sherloc (09022015). Collection method: clinical testing. Allele origin: germline.
Comment: This sequence change replaces valine, which is neutral and non-polar, with methionine, which is neutral and non-polar, at codon 119 of the TMEM43 protein (p.Val119Met). This variant is present in population databases (rs757430674, gnomAD 0.006%). This variant has not been reported in the literature in individuals affected with TMEM43-related conditions. ClinVar contains an entry for this variant (Variation ID: 851039). Invitae Evidence Modeling of protein sequence and biophysical properties (such as structural, functional, and spatial information, amino acid conservation, physicochemical variation, residue mobility, and thermodynamic stability) indicates that this missense variant is expected to disrupt TMEM43 protein function with a positive predictive value of 80%. In summary, the available evidence is currently insufficient to determine the role of this variant in disease. Therefore, it has been classified as a Variant of Uncertain Significance.

All of Us Research Program, National Institutes of Health
Classification: Uncertain significance for Arrhythmogenic right ventricular dysplasia 5. Last evaluated: 2024-06-17. Review status: criteria provided, single submitter. Criteria: ACMG Guidelines, 2015. Collection method: clinical testing. Allele origin: germline. Inheritance: Autosomal dominant inheritance. Observed: 9 variant alleles, 9 heterozygotes.
Comment: This missense variant replaces valine with methionine at codon 119 of the TMEM43 protein. Computational prediction is inconclusive regarding the impact of this variant on protein structure and function (internally defined REVEL score threshold 0.5 < inconclusive < 0.7, PMID: 27666373). To our knowledge, functional studies have not been reported for this variant. This variant has not been reported in individuals affected with TMEM43-related disorders in the literature. This variant has been identified in 5/251192 chromosomes in the general population by the Genome Aggregation Database (gnomAD). The available evidence is insufficient to determine the role of this variant in disease conclusively. Therefore, this variant is classified as a Variant of Uncertain Significance.

This study involves interpretation of variants in research participants for the purpose of population health screening. Participant phenotype was not available at the time of variant classification. Additional details can be found in publication PMID: 35346344, PMCID: PMC8962531

Color Diagnostics, LLC DBA Color Health
Classification: Uncertain significance for Cardiomyopathy. Last evaluated: 2024-04-25. Review status: criteria provided, single submitter. Criteria: ACMG Guidelines, 2015. Collection method: clinical testing. Allele origin: germline.
Comment: This missense variant replaces valine with methionine at codon 119 of the TMEM43 protein. Computational prediction is inconclusive regarding the impact of this variant on protein structure and function (internally defined REVEL score threshold 0.5 < inconclusive < 0.7, PMID: 27666373). To our knowledge, functional studies have not been reported for this variant. This variant has not been reported in individuals affected with TMEM43-related disorders in the literature. This variant has been identified in 5/251192 chromosomes in the general population by the Genome Aggregation Database (gnomAD). The available evidence is insufficient to determine the role of this variant in disease conclusively. Therefore, this variant is classified as a Variant of Uncertain Significance.

Ambry Genetics
Classification: Uncertain significance for Cardiovascular phenotype. Last evaluated: 2024-02-27. Review status: criteria provided, single submitter. Criteria: Ambry Variant Classification Scheme 2023. Collection method: clinical testing. Allele origin: germline.
Comment: The p.V119M variant (also known as c.355G>A), located in coding exon 4 of the TMEM43 gene, results from a G to A substitution at nucleotide position 355. The valine at codon 119 is replaced by methionine, an amino acid with highly similar properties. This alteration has been reported in a sudden cardiac death cohort (Bagnall RD et al. N Engl J Med, 2016 Jun;374:2441-52). This amino acid position is highly conserved in available vertebrate species. In addition, this alteration is predicted to be deleterious by in silico analysis. Based on the available evidence, the clinical significance of this alteration remains unclear.

Blueprint Genetics
Classification: Uncertain significance. Last evaluated: 2023-03-03. Review status: criteria provided, single submitter. Criteria: ACMG Guidelines, 2015. Collection method: clinical testing. Allele origin: germline.

Literature cited by the submitters: PubMed 27332903 (cited by Ambry Genetics).

NM_024334.3(TMEM43):c.355G>A (p.Val119Met)

Gene: TMEM43 (transmembrane protein 43; plus strand). Cytogenetic location: 3p25.1.
Variant type: single nucleotide variant.
Coding change: c.355G>A on transcript NM_024334.3 (MANE Select); coding-DNA position 355, G replaced by A.
Protein change: p.Val119Met; replaces valine 119 with methionine.
Molecular consequence: missense variant.
Genome position (GRCh38, 1-based): chr3:14,131,637, G>A. VCF-style: chr3-14131637-G-A. GRCh37 (hg19) VCF-style: chr3-14173137-G-A.
Other names: short protein forms V119M.
Identifiers: ClinVar variation 851039 (VCV000851039.10), dbSNP rs757430674, ClinGen allele CA053045.
Genomic context (GRCh38, chr3:14,131,637, plus strand): 5'-AAGCTTTTGTCTGATCCAAACTATGGGGTCCATCTTCCGGCTGTGAAACTGCGGAGGCAC[G>A]TGGAGATGTACCAATGGGTAGAAACTGAGGAGTCCAGGTGAGCTGTTGGGGTGAAAACTC-3'
Protein context (NP_077310.1, residues 109-129): HLPAVKLRRH[Val119Met]EMYQWVETEE